The following is an entry in ClinVar:

ClinVar aggregate classification (germline): Uncertain significance. Review status: criteria provided, single submitter (1 of 4 stars). 2 submissions from 2 submitters: Uncertain significance (1). 1 of the submissions does not count toward it. Last evaluated 2025-05-05.

Conditions:
Tay-Sachs disease (TSD). Also called: HEXA DEFICIENCY; Hexosaminidase A Deficiency; GM2 gangliosidosis, type 1; Hexosaminidase alpha-subunit deficiency (variant B); Sphingolipidosis, Tay-Sachs; HEXA Disorders. Identifiers: Orphanet 845, MedGen C0039373, MONDO:0010100, OMIM 272800.

Allele frequency attached by ClinVar (database versions not stated): gnomAD exomes below 0.00001 and 0.00001; gnomAD 0.00001; TOPMed 0.00001.
gnomAD v4.1: 5 of 1,605,954 alleles (0.00031%); highest among the groups gnomAD compares: Non-Finnish European, 0.00043%; no homozygotes.

Submissions (2):

Labcorp Genetics (formerly Invitae), Labcorp
Classification: Uncertain significance for Tay-Sachs disease. Last evaluated: 2025-05-05. Review status: criteria provided, single submitter. Criteria: Invitae Variant Classification Sherloc (09022015). Collection method: clinical testing. Allele origin: germline.
Comment: This sequence change replaces tyrosine, which is neutral and polar, with phenylalanine, which is neutral and non-polar, at codon 116 of the HEXA protein (p.Tyr116Phe). This variant is present in population databases (no rsID available, gnomAD 0.002%). This variant has not been reported in the literature in individuals affected with HEXA-related conditions. ClinVar contains an entry for this variant (Variation ID: 1003011). An algorithm developed to predict the effect of missense changes on protein structure and function (PolyPhen-2) suggests that this variant is likely to be disruptive. Algorithms developed to predict the effect of sequence changes on RNA splicing suggest that this variant may disrupt the consensus splice site. In summary, the available evidence is currently insufficient to determine the role of this variant in disease. Therefore, it has been classified as a Variant of Uncertain Significance.

Natera, Inc.
Classification: Uncertain significance for Tay-Sachs disease. Last evaluated: 2018-11-13. Review status: no assertion criteria provided. Collection method: clinical testing. Allele origin: germline. Not counted in ClinVar's aggregate classification.

NM_000520.6(HEXA):c.347A>T (p.Tyr116Phe)

Gene: HEXA (hexosaminidase subunit alpha; minus strand). Cytogenetic location: 15q23.
Variant type: single nucleotide variant.
Coding change: c.347A>T on transcript NM_000520.6 (MANE Select); coding-DNA position 347, A replaced by T.
Protein change: p.Tyr116Phe; replaces tyrosine 116 with phenylalanine.
Molecular consequence: missense variant. On other transcripts: non-coding transcript variant (1).
Genome position (GRCh38, 1-based): chr15:72,355,624, T>A on the plus strand (A>T on the coding strand, the complement: HEXA is on the minus strand). VCF-style: chr15-72355624-T-A. GRCh37 (hg19) VCF-style: chr15-72647965-T-A.
Other names: c.380A>T, p.Tyr127Phe (NM_001318825.2); short protein forms Y116F, Y127F.
Identifiers: ClinVar variation 1003011 (VCV001003011.11), dbSNP rs1282031681, ClinGen allele CA393066869.
Genomic context (GRCh38, chr15:72,355,624, plus strand): 5'-AGAGCTCCCCAGACAGTCTCAGAGAGGAGTAAACACTGGTCATCATTTATGGTCAGGGTA[T>A]CTGAAATGACAGAAATGAACTCATTTAGTTGGTTAAGGTTTTCTATTCTCAGATTATAGA-3'
Protein context (NP_000511.2, residues 106-126): QLPTLESVEN[Tyr116Phe]TLTINDDQCL